The following is an entry in ClinVar:

NM_003190.5(TAPBP):c.596C>T (p.Pro199Leu)

Gene: TAPBP (TAP binding protein; minus strand). Cytogenetic location: 6p21.32.
Variant type: single nucleotide variant.
Coding change: c.596C>T on transcript NM_003190.5 (MANE Select); coding-DNA position 596, C replaced by T.
Protein change: p.Pro199Leu; replaces proline 199 with leucine.
Molecular consequence: missense variant.
Genome position (GRCh38, 1-based): chr6:33,305,261, G>A on the plus strand (C>T on the coding strand, the complement: TAPBP is on the minus strand). VCF-style: chr6-33305261-G-A. GRCh37 (hg19) VCF-style: chr6-33273038-G-A.
Other names: c.596C>T, p.Pro199Leu (NM_001410875.1, NM_172208.3); c.335C>T, p.Pro112Leu (NM_172209.3); short protein forms P112L, P199L.
Identifiers: ClinVar variation 2771320 (VCV002771320.3), dbSNP rs2536727180, ClinGen allele CA363691807.
Genomic context (GRCh38, chr6:33,305,261, plus strand): 5'-GCCAGGAGCAGATGTCCCTTACCCAGGTGCTGGCGTCGCCACTCTAGCCCAAAGGGAGGG[G>A]GACCCGGAGCCAGAGATGAGGCGGCCTCGGAGGTGGGGGGCATGTAGGCAAAGCTCAAGT-3'
Protein context (NP_003181.3, residues 189-209): SEAASSLAPG[Pro199Leu]PPFGLEWRRQ

ClinVar aggregate classification (germline): Uncertain significance (1 of 4 stars; one submission).

Conditions:
MHC class I deficiency. Identifiers: Orphanet 34592, MedGen C6024714, MONDO:0011476.

Submission:

Labcorp Genetics (formerly Invitae), Labcorp
Classification: Uncertain significance for MHC class I deficiency 1. Last evaluated: 2023-10-23. Review status: criteria provided, single submitter. Criteria: Invitae Variant Classification Sherloc (09022015). Collection method: clinical testing. Allele origin: germline.
Comment: This sequence change replaces proline, which is neutral and non-polar, with leucine, which is neutral and non-polar, at codon 199 of the TAPBP protein (p.Pro199Leu). This variant is not present in population databases (gnomAD no frequency). This variant has not been reported in the literature in individuals affected with TAPBP-related conditions. An algorithm developed to predict the effect of missense changes on protein structure and function (PolyPhen-2) suggests that this variant is likely to be disruptive. In summary, the available evidence is currently insufficient to determine the role of this variant in disease. Therefore, it has been classified as a Variant of Uncertain Significance.